The following is an entry in ClinVar:

ClinVar aggregate classification (germline): Uncertain significance. Review status: criteria provided, multiple submitters, no conflicts (2 of 4 stars). 2 submissions from 2 submitters: Uncertain significance (2). Last evaluated 2025-11-24.

Conditions:
Inborn genetic diseases. Identifiers: MedGen C0950123, MeSH D030342.

Allele frequency attached by ClinVar (database versions not stated): TOPMed below 0.00001; ExAC 0.00001; gnomAD exomes 0.00002.

Submissions (2):

Ambry Genetics
Classification: Uncertain significance for Inborn genetic diseases. Last evaluated: 2025-11-24. Review status: criteria provided, single submitter. Criteria: Ambry Variant Classification Scheme 2023. Collection method: clinical testing. Allele origin: germline.

Labcorp Genetics (formerly Invitae), Labcorp
Classification: Uncertain significance. Last evaluated: 2025-09-02. Review status: criteria provided, single submitter. Criteria: Invitae Variant Classification Sherloc (09022015). Collection method: clinical testing. Allele origin: germline.
Comment: This sequence change replaces isoleucine, which is neutral and non-polar, with threonine, which is neutral and polar, at codon 759 of the LCT protein (p.Ile759Thr). This variant is present in population databases (rs772746872, gnomAD 0.003%). This variant has not been reported in the literature in individuals affected with LCT-related conditions. ClinVar contains an entry for this variant (Variation ID: 1356695). An algorithm developed to predict the effect of missense changes on protein structure and function outputs the following: PolyPhen-2: "Benign". The threonine amino acid residue is found in multiple mammalian species, which suggests that this missense change does not adversely affect protein function. In summary, the available evidence is currently insufficient to determine the role of this variant in disease. Therefore, it has been classified as a Variant of Uncertain Significance.

NM_002299.4(LCT):c.2276T>C (p.Ile759Thr)

Gene: LCT (lactase; minus strand). Cytogenetic location: 2q21.3.
Variant type: single nucleotide variant.
Coding change: c.2276T>C on transcript NM_002299.4 (MANE Select); coding-DNA position 2276, T replaced by C.
Protein change: p.Ile759Thr; replaces isoleucine 759 with threonine.
Molecular consequence: missense variant.
Genome position (GRCh38, 1-based): chr2:135,812,388, A>G on the plus strand (T>C on the coding strand, the complement: LCT is on the minus strand). VCF-style: chr2-135812388-A-G. GRCh37 (hg19) VCF-style: chr2-136569958-A-G.
Other names: c.2276T>C (NM_002299.2); short protein forms I759T.
Identifiers: ClinVar variation 1356695 (VCV001356695.8), dbSNP rs772746872, ClinGen allele CA1888268.
Genomic context (GRCh38, chr2:135,812,388, plus strand): 5'-ATATATTGATTGAAGTAGTCTACTCTTAAGGAATCATCAAAGAGATTTTCACTTTCCCCT[A>G]TGGGCATGCCATTCCCGGCAAGGTATATTGGAACTTTTCCTCTTGTGTATTCCAGGGATA-3'
Protein context (NP_002290.2, residues 749-769): PIYLAGNGMP[Ile759Thr]GESENLFDDS